The following is an entry in ClinVar:

ClinVar aggregate classification (germline): Uncertain significance. Review status: criteria provided, multiple submitters, no conflicts (2 of 4 stars). 5 submissions from 5 submitters: Uncertain significance (4). 1 of the submissions does not count toward it. Last evaluated 2025-03-24.

Conditions:
CHD7-related disorder. Also called: CHD7-related condition.
CHARGE syndrome (CHARGE). Also called: Coloboma, heart anomaly, choanal atresia, retardation, genital and ear anomalies; CHARGE association; Hall-Hittner syndrome; CHARGE ASSOCIATION--COLOBOMA, HEART ANOMALY, CHOANAL ATRESIA, RETARDATION, GENITAL AND EAR ANOMALIES; Hittner Hirsch Kreh syndrome. Identifiers: Orphanet 138, MedGen C0265354, MONDO:0008965.

Allele frequency attached by ClinVar (database versions not stated): gnomAD exomes below 0.00001.
gnomAD v4.1: 2 of 1,613,934 alleles (0.00012%); highest among the groups gnomAD compares: Middle Eastern, 0.016%; no homozygotes.

Submissions (5):

Labcorp Genetics (formerly Invitae), Labcorp
Classification: Uncertain significance for CHARGE syndrome. Last evaluated: 2025-03-24. Review status: criteria provided, single submitter. Criteria: Invitae Variant Classification Sherloc (09022015). Collection method: clinical testing. Allele origin: germline.
Comment: This sequence change replaces glycine, which is neutral and non-polar, with aspartic acid, which is acidic and polar, at codon 219 of the CHD7 protein (p.Gly219Asp). This variant is not present in population databases (gnomAD no frequency). This variant has not been reported in the literature in individuals affected with CHD7-related conditions. ClinVar contains an entry for this variant (Variation ID: 195332). Invitae Evidence Modeling of protein sequence and biophysical properties (such as structural, functional, and spatial information, amino acid conservation, physicochemical variation, residue mobility, and thermodynamic stability) indicates that this missense variant is not expected to disrupt CHD7 protein function with a negative predictive value of 95%. In summary, the available evidence is currently insufficient to determine the role of this variant in disease. Therefore, it has been classified as a Variant of Uncertain Significance.

GeneDx
Classification: Uncertain significance. Last evaluated: 2024-10-10. Review status: criteria provided, single submitter. Criteria: GeneDx Variant Classification Process June 2021. Collection method: clinical testing. Allele origin: germline. Affected: yes.
Comment: Not observed at significant frequency in large population cohorts (gnomAD); In silico analysis indicates that this missense variant does not alter protein structure/function; Has not been previously published as pathogenic or benign to our knowledge

Revvity Omics, Revvity
Classification: Uncertain significance. Last evaluated: 2023-10-26. Review status: criteria provided, single submitter. Criteria: ACMG Guidelines, 2015. Collection method: clinical testing. Allele origin: germline.

Eurofins Ntd Llc (ga)
Classification: Uncertain significance. Last evaluated: 2015-03-30. Review status: criteria provided, single submitter. Criteria: EGL Classification Definitions 2015. Collection method: clinical testing. Allele origin: germline. Observed: 1 variant allele, 1 heterozygote.

PreventionGenetics, part of Exact Sciences
Classification: Uncertain significance for CHD7-related condition. Last evaluated: 2024-05-03. Review status: no assertion criteria provided. Collection method: clinical testing. Allele origin: germline. Not counted in ClinVar's aggregate classification.
Comment: The CHD7 c.656G>A variant is predicted to result in the amino acid substitution p.Gly219Asp. To our knowledge, this variant has not been reported in the literature or in a large population database, indicating this variant is rare. At this time, the clinical significance of this variant is uncertain due to the absence of conclusive functional and genetic evidence.

NM_017780.4(CHD7):c.656G>A (p.Gly219Asp)

Gene: CHD7 (chromodomain helicase DNA binding protein 7; plus strand). Cytogenetic location: 8q12.2.
Variant type: single nucleotide variant.
Coding change: c.656G>A on transcript NM_017780.4 (MANE Select); coding-DNA position 656, G replaced by A.
Protein change: p.Gly219Asp; replaces glycine 219 with aspartic acid.
Molecular consequence: missense variant.
Genome position (GRCh38, 1-based): chr8:60,742,088, G>A. VCF-style: chr8-60742088-G-A. GRCh37 (hg19) VCF-style: chr8-61654647-G-A.
Other names: c.656G>A (NM_017780.3, NM_017780.2); c.656G>A, p.Gly219Asp (NM_001316690.1); short protein forms G219D.
Identifiers: ClinVar variation 195332 (VCV000195332.9), dbSNP rs794727297, ClinGen allele CA241720.